The following is an entry in ClinVar:

ClinVar aggregate classification (germline): Pathogenic. Review status: criteria provided, multiple submitters, no conflicts (2 of 4 stars). 2 submissions from 2 submitters: Pathogenic (2). Last evaluated 2025-03-24.

Conditions:
Multiple congenital exostosis (EXT). Also called: MULTIPLE CARTILAGINOUS EXOSTOSES; Hereditary multiple osteochondromas; Multiple osteochondromas; Multiple exostoses; Hereditary multiple exostoses; Hereditary multiple exostosis. Identifiers: Orphanet 321, MedGen C0015306, MONDO:0005508, HP:0002762.

Submissions (2):

Labcorp Genetics (formerly Invitae), Labcorp
Classification: Pathogenic for Multiple congenital exostosis. Last evaluated: 2025-03-24. Review status: criteria provided, single submitter. Criteria: Invitae Variant Classification Sherloc (09022015). Collection method: clinical testing. Allele origin: germline.
Comment: This sequence change affects a donor splice site in intron 9 of the EXT1 gene. It is expected to disrupt RNA splicing. Variants that disrupt the donor or acceptor splice site typically lead to a loss of protein function (PMID: 16199547), and loss-of-function variants in EXT1 are known to be pathogenic (PMID: 10679937, 11391482, 19810120). This variant is not present in population databases (gnomAD no frequency). Disruption of this splice site has been observed in individual(s) with multiple osteochondromas (PMID: 19810120, 23629877, 24532482, 29126381). ClinVar contains an entry for this variant (Variation ID: 864699). Algorithms developed to predict the effect of sequence changes on RNA splicing suggest that this variant may disrupt the consensus splice site. For these reasons, this variant has been classified as Pathogenic.

GeneDx
Classification: Pathogenic. Last evaluated: 2024-08-30. Review status: criteria provided, single submitter. Criteria: GeneDx Variant Classification Process June 2021. Collection method: clinical testing. Allele origin: germline. Affected: yes.
Comment: Published functional studies demonstrate alternatively spliced truncated protein products that utilize downstream cryptic splice sites, leading to in-frame variations (PMID: 23629877); Identified in patients with hereditary multiple exostoses in the published literature (PMID: 23629877, 29126381); Canonical splice site variant predicted to result in an in-frame loss of the adjacent exon in a gene for which loss of function is a known mechanism of disease; Not observed at significant frequency in large population cohorts (gnomAD); This variant is associated with the following publications: (PMID: 24496678, 29126381, 23629877)

Literature cited by the submitters: PubMed 16199547 (cited by Labcorp Genetics (formerly Invitae), Labcorp); PubMed 10679937 (cited by Labcorp Genetics (formerly Invitae), Labcorp); PubMed 11391482 (cited by Labcorp Genetics (formerly Invitae), Labcorp); PubMed 19810120 (cited by Labcorp Genetics (formerly Invitae), Labcorp); PubMed 23629877 (cited by Labcorp Genetics (formerly Invitae), Labcorp); PubMed 24532482 (cited by Labcorp Genetics (formerly Invitae), Labcorp); PubMed 29126381 (cited by Labcorp Genetics (formerly Invitae), Labcorp).

NM_000127.3(EXT1):c.1883+1G>A

Gene: EXT1 (exostosin glycosyltransferase 1; minus strand). Cytogenetic location: 8q24.11.
Variant type: single nucleotide variant.
Coding change: c.1883+1G>A on transcript NM_000127.3 (MANE Select); the canonical splice donor site of the intron after coding-DNA position 1883, G replaced by A.
Molecular consequence: splice donor variant.
Genome position (GRCh38, 1-based): chr8:117,807,216, C>T on the plus strand (G>A on the coding strand, the complement: EXT1 is on the minus strand). VCF-style: chr8-117807216-C-T. GRCh37 (hg19) VCF-style: chr8-118819455-C-T.
Identifiers: ClinVar variation 864699 (VCV000864699.11), dbSNP rs1823251265, ClinGen allele CA371877861.